The following is an entry in ClinVar:

ClinVar aggregate classification (germline): Likely benign. Review status: criteria provided, multiple submitters, no conflicts (2 of 4 stars). 3 submissions from 3 submitters: Likely benign (2). 1 of the submissions does not count toward it. Last evaluated 2024-08-28.

Conditions:
LRIG2-related disorder. Also called: LRIG2-related condition.

Allele frequency attached by ClinVar (database versions not stated): gnomAD exomes 0.00022 and 0.00051; ExAC 0.00069; ESP Exome Variant Server 0.00238; TOPMed 0.00263; 1000 Genomes Project 30x 0.00265; gnomAD 0.00274; 1000 Genomes Project 0.00280.
gnomAD v4.1: 728 of 1,611,062 alleles (0.045%); highest among the groups gnomAD compares: African/African-American, 0.85%; 3 homozygotes.

Submissions (3):

Blueprint Genetics
Classification: Likely benign. Last evaluated: 2024-08-28. Review status: criteria provided, single submitter. Criteria: ACMG Guidelines, 2015. Collection method: clinical testing. Allele origin: germline.

Labcorp Genetics (formerly Invitae), Labcorp
Classification: Likely benign. Last evaluated: 2019-12-31. Review status: criteria provided, single submitter. Criteria: Invitae Variant Classification Sherloc (09022015). Collection method: clinical testing. Allele origin: germline.

PreventionGenetics, part of Exact Sciences
Classification: Likely benign for LRIG2-related condition. Last evaluated: 2024-07-15. Review status: no assertion criteria provided. Collection method: clinical testing. Allele origin: germline. Not counted in ClinVar's aggregate classification.
Comment: This variant is classified as likely benign based on ACMG/AMP sequence variant interpretation guidelines (Richards et al. 2015 PMID: 25741868, with internal and published modifications).

NM_014813.3(LRIG2):c.463A>T (p.Ile155Leu)

Gene: LRIG2 (leucine rich repeats and immunoglobulin like domains 2; plus strand). Cytogenetic location: 1p13.2.
Variant type: single nucleotide variant.
Coding change: c.463A>T on transcript NM_014813.3 (MANE Select); coding-DNA position 463, A replaced by T.
Protein change: p.Ile155Leu; replaces isoleucine 155 with leucine.
Molecular consequence: missense variant.
Genome position (GRCh38, 1-based): chr1:113,093,512, A>T. VCF-style: chr1-113093512-A-T. GRCh37 (hg19) VCF-style: chr1-113636134-A-T.
Other names: c.154A>T, p.Ile52Leu (NM_001312686.2); short protein forms I155L, I52L.
Identifiers: ClinVar variation 730524 (VCV000730524.6), dbSNP rs113884964, ClinGen allele CA1011707.